The following is an entry in ClinVar:

ClinVar aggregate classification (germline): Uncertain significance (1 of 4 stars; one submission).

gnomAD v4.1: 3 of 1,614,074 alleles (0.00019%); highest among the groups gnomAD compares: Non-Finnish European, 0.00025%; no homozygotes.

Submission:

Labcorp Genetics (formerly Invitae), Labcorp
Classification: Uncertain significance. Last evaluated: 2025-02-18. Review status: criteria provided, single submitter. Criteria: Invitae Variant Classification Sherloc (09022015). Collection method: clinical testing. Allele origin: germline.
Comment: This sequence change replaces glutamic acid, which is acidic and polar, with aspartic acid, which is acidic and polar, at codon 1423 of the TCF20 protein (p.Glu1423Asp). This variant is present in population databases (no rsID available, gnomAD 0.02%). This variant has not been reported in the literature in individuals affected with TCF20-related conditions. An algorithm developed to predict the effect of missense changes on protein structure and function outputs the following: PolyPhen-2: "Benign". The aspartic acid amino acid residue is found in multiple mammalian species, which suggests that this missense change does not adversely affect protein function. In summary, the available evidence is currently insufficient to determine the role of this variant in disease. Therefore, it has been classified as a Variant of Uncertain Significance.

NM_001378418.1(TCF20):c.4269G>T (p.Glu1423Asp)

Gene: TCF20 (transcription factor 20; minus strand). Cytogenetic location: 22q13.2.
Variant type: single nucleotide variant.
Coding change: c.4269G>T on transcript NM_001378418.1 (MANE Select); coding-DNA position 4269, G replaced by T.
Protein change: p.Glu1423Asp; replaces glutamic acid 1423 with aspartic acid.
Molecular consequence: missense variant.
Genome position (GRCh38, 1-based): chr22:42,211,037, C>A on the plus strand (G>T on the coding strand, the complement: TCF20 is on the minus strand). VCF-style: chr22-42211037-C-A. GRCh37 (hg19) VCF-style: chr22-42607043-C-A.
Other names: c.4269G>T, p.Glu1423Asp (NM_005650.4, NM_181492.3); short protein forms E1423D.
Identifiers: ClinVar variation 4780750 (VCV004780750.1).
Genomic context (GRCh38, chr22:42,211,037, plus strand): 5'-GTCATCCACGCTGCCACGCCACTCTTCTGAAGACCTTGGAAGAGGTTTCTCTACGTGCAA[C>A]TCCTGGTTTGCTGGACTGACTAGGTCCGAAGCCACCTCACCTTTTCTCTTCTCTATGTCA-3'
Protein context (NP_001365347.1, residues 1413-1433): ASDLVSPANQ[Glu1423Asp]LHVEKPLPRS